The following is an entry in ClinVar:

ClinVar aggregate classification (germline): Pathogenic (0 of 4 stars; one submission).

Submission:

ISCA Site 6
Classification: Pathogenic. Last evaluated: 2018-02-05. Review status: no assertion criteria provided. Collection method: clinical testing. Allele origin: unknown. Affected: yes. Observed: 1 variant allele.
Comment: 16p11.2 recurrent region (includes TBX6) (proximal region) (BP4-BP5) (hg19 chr16: 29,649,996-30,199,855), enriched in cases with ID/DD, MCA etc vs controls, ClinGen triplosensitivity score = 3

Copy number variation identified through the course of routine clinical cytogenomic testing in postnatal populations. Clinical assertions have been curated as described in Kaminsky et al. 2011.

Copy number variation identified through the course of routine clinical cytogenomic testing in postnatal populations. Clinical assertions have been curated as described in Kaminsky, et al. 2011 (PubMed 21844811). For additional ClinGen data, please see nstd37.

GRCh38/hg38 16p11.2(chr16:29645363-30323310)x3

Genes: ALDOA (aldolase, fructose-bisphosphate A; plus strand), ASPHD1 (aspartate beta-hydroxylase domain containing 1; plus strand), BOLA2B (bolA family member 2B; minus strand), C16orf54 (chromosome 16 open reading frame 54; minus strand), CDIPT (CDP-diacylglycerol--inositol 3-phosphatidyltransferase; minus strand) and 101 more. Cytogenetic location: 16p11.2.
Variant type: copy number gain.
Change: copy number 3 (three copies instead of two) of chr16:29,645,363-30,323,310 (677.9 kb, GRCh38 coordinates, 1-based), cytogenetic band 16p11.2.
Identifiers: ClinVar variation 60467 (VCV000060467.4).